The following is an entry in ClinVar:

NM_032387.5(WNK4):c.512G>A (p.Gly171Asp)

Gene: WNK4 (WNK lysine deficient protein kinase 4; plus strand). Cytogenetic location: 17q21.2.
Variant type: single nucleotide variant.
Coding change: c.512G>A on transcript NM_032387.5 (MANE Select); coding-DNA position 512, G replaced by A.
Protein change: p.Gly171Asp; replaces glycine 171 with aspartic acid.
Molecular consequence: missense variant. On other transcripts: 5 prime UTR variant (1).
Genome position (GRCh38, 1-based): chr17:42,781,210, G>A. VCF-style: chr17-42781210-G-A. GRCh37 (hg19) VCF-style: chr17-40933228-G-A.
Other names: c.-408G>A (NM_001321299.2); short protein forms G171D.
Identifiers: ClinVar variation 3606822 (VCV003606822.2).

ClinVar aggregate classification (germline): Uncertain significance (1 of 4 stars; one submission).

Submission:

Labcorp Genetics (formerly Invitae), Labcorp
Classification: Uncertain significance. Last evaluated: 2025-01-26. Review status: criteria provided, single submitter. Criteria: Invitae Variant Classification Sherloc (09022015). Collection method: clinical testing. Allele origin: germline.
Comment: This sequence change replaces glycine, which is neutral and non-polar, with aspartic acid, which is acidic and polar, at codon 171 of the WNK4 protein (p.Gly171Asp). This variant is present in population databases (no rsID available, gnomAD 0.0009%). This variant has not been reported in the literature in individuals affected with WNK4-related conditions. Invitae Evidence Modeling of protein sequence and biophysical properties (such as structural, functional, and spatial information, amino acid conservation, physicochemical variation, residue mobility, and thermodynamic stability) indicates that this missense variant is expected to disrupt WNK4 protein function with a positive predictive value of 95%. In summary, the available evidence is currently insufficient to determine the role of this variant in disease. Therefore, it has been classified as a Variant of Uncertain Significance.